The following is an entry in ClinVar:

NM_002890.3(RASA1):c.805C>G (p.Leu269Val)

Genes: CCNH (cyclin H; minus strand), RASA1 (RAS p21 protein activator 1; plus strand). Cytogenetic location: 5q14.3.
Variant type: single nucleotide variant.
Coding change: c.805C>G on transcript NM_002890.3 (MANE Select); coding-DNA position 805, C replaced by G.
Protein change: p.Leu269Val; replaces leucine 269 with valine.
Molecular consequence: missense variant. On other transcripts: intron variant (1).
Genome position (GRCh38, 1-based): chr5:87,332,619, C>G. VCF-style: chr5-87332619-C-G. GRCh37 (hg19) VCF-style: chr5-86628436-C-G.
Other names: c.274C>G, p.Leu92Val (NM_022650.3); c.934-19824G>C (NM_001364075.2); short protein forms L92V, L269V.
Identifiers: ClinVar variation 2114634 (VCV002114634.5), dbSNP rs756002498, ClinGen allele CA3335556.

ClinVar aggregate classification (germline): Conflicting classifications of pathogenicity. Review status: criteria provided, conflicting classifications (1 of 4 stars). 2 submissions from 2 submitters: Uncertain significance (1); Likely benign (1). Last evaluated 2025-08-03.

Conditions:
Capillary malformation-arteriovenous malformation syndrome. Also called: Capillary malformation-arteriovenous malformation. Identifiers: Orphanet 137667, MedGen C1842180, MONDO:0012016.
Cardiovascular phenotype. Identifiers: MedGen CN230736.

Allele frequency attached by ClinVar (database versions not stated): gnomAD 0.00001; ExAC 0.00002.
gnomAD v4.1: 2 of 1,610,728 alleles (0.00012%); highest among the groups gnomAD compares: East Asian, 0.0045%; no homozygotes.

Submissions (2):

Ambry Genetics
Classification: Likely benign for Cardiovascular phenotype. Last evaluated: 2025-08-03. Review status: criteria provided, single submitter. Criteria: Ambry Variant Classification Scheme 2023. Collection method: clinical testing. Allele origin: germline.

Labcorp Genetics (formerly Invitae), Labcorp
Classification: Uncertain significance for Capillary malformation-arteriovenous malformation syndrome. Last evaluated: 2023-08-02. Review status: criteria provided, single submitter. Criteria: Invitae Variant Classification Sherloc (09022015). Collection method: clinical testing. Allele origin: germline.
Comment: This variant is present in population databases (rs756002498, gnomAD 0.02%). This sequence change replaces leucine, which is neutral and non-polar, with valine, which is neutral and non-polar, at codon 269 of the RASA1 protein (p.Leu269Val). This variant has not been reported in the literature in individuals affected with RASA1-related conditions. In summary, the available evidence is currently insufficient to determine the role of this variant in disease. Therefore, it has been classified as a Variant of Uncertain Significance. An algorithm developed to predict the effect of missense changes on protein structure and function (PolyPhen-2) suggests that this variant is likely to be tolerated. ClinVar contains an entry for this variant (Variation ID: 2114634).